The following is an entry in ClinVar:

NM_004535.3(MYT1):c.2796G>A (p.Ser932=)

Gene: MYT1 (myelin transcription factor 1; plus strand). Cytogenetic location: 20q13.33.
Variant type: single nucleotide variant.
Coding change: c.2796G>A on transcript NM_004535.3 (MANE Select); coding-DNA position 2796, G replaced by A.
Protein change: p.Ser932=; no amino-acid change (serine 932 retained).
Molecular consequence: synonymous variant.
Genome position (GRCh38, 1-based): chr20:64,232,284, G>A. VCF-style: chr20-64232284-G-A. GRCh37 (hg19) VCF-style: chr20-62863637-G-A.
Identifiers: ClinVar variation 3038828 (VCV003038828.3), dbSNP rs138396756, ClinGen allele CA9975331.

ClinVar aggregate classification (germline): Likely benign. Review status: criteria provided, single submitter (1 of 4 stars). 2 submissions from 2 submitters: Likely benign (1). 1 of the submissions does not count toward it. Last evaluated 2024-11-27.

Conditions:
MYT1-related disorder. Also called: MYT1-related condition.

Allele frequency attached by ClinVar (database versions not stated): ESP Exome Variant Server 0.00023; TOPMed 0.00055; gnomAD 0.00058; 1000 Genomes Project 30x 0.00062; gnomAD exomes 0.00077; 1000 Genomes Project 0.00080.
gnomAD v4.1: 1,209 of 1,613,002 alleles (0.075%); highest among the groups gnomAD compares: South Asian, 0.58%; 10 homozygotes.

Submissions (2):

Blueprint Genetics
Classification: Likely benign. Last evaluated: 2024-11-27. Review status: criteria provided, single submitter. Criteria: ACMG Guidelines, 2015. Collection method: clinical testing. Allele origin: germline.

PreventionGenetics, part of Exact Sciences
Classification: Likely benign for MYT1-related condition. Last evaluated: 2019-05-22. Review status: no assertion criteria provided. Collection method: clinical testing. Allele origin: germline. Not counted in ClinVar's aggregate classification.
Comment: This variant is classified as likely benign based on ACMG/AMP sequence variant interpretation guidelines (Richards et al. 2015 PMID: 25741868, with internal and published modifications).